The following is an entry in ClinVar:

NM_002734.5(PRKAR1A):c.896C>T (p.Ser299Leu)

Gene: PRKAR1A (protein kinase cAMP-dependent type I regulatory subunit alpha; plus strand). Cytogenetic location: 17q24.2.
Variant type: single nucleotide variant.
Coding change: c.896C>T on transcript NM_002734.5 (MANE Select); coding-DNA position 896, C replaced by T.
Protein change: p.Ser299Leu; replaces serine 299 with leucine.
Molecular consequence: missense variant.
Genome position (GRCh38, 1-based): chr17:68,529,924, C>T. VCF-style: chr17-68529924-C-T. GRCh37 (hg19) VCF-style: chr17-66526065-C-T.
Other names: c.896C>T, p.Ser299Leu (NM_212472.2, NM_001276289.2, NM_001276290.1 and 4 more transcripts); short protein forms S299L.
Identifiers: ClinVar variation 5027341 (VCV005027341.1).

ClinVar aggregate classification (germline): Uncertain significance (1 of 4 stars; one submission).

Conditions:
Hereditary cancer-predisposing syndrome. Also called: Neoplastic Syndromes, Hereditary; Tumor predisposition; Hereditary neoplastic syndrome; Hereditary Cancer Syndrome. Identifiers: Orphanet 140162, MedGen C0027672, MeSH D009386, MONDO:0015356.

Submission:

Ambry Genetics
Classification: Uncertain significance for Hereditary cancer-predisposing syndrome. Last evaluated: 2026-07-07. Review status: criteria provided, single submitter. Criteria: Ambry Variant Classification Scheme 2023. Collection method: clinical testing. Allele origin: germline.
Comment: The p.S299L variant (also known as c.896C>T), located in coding exon 9 of the PRKAR1A gene, results from a C to T substitution at nucleotide position 896. The serine at codon 299 is replaced by leucine, an amino acid with dissimilar properties. This amino acid position is conserved. In addition, the in silico prediction for this alteration is inconclusive. Based on the available evidence, the clinical significance of this variant remains unclear.